The following continues an entry in ClinVar:

NM_000492.4(CFTR):c.1000C>T (p.Arg334Trp)

Gene: CFTR. ClinVar aggregate classification (germline): Pathogenic. Pathogenic (1).

Submissions 29 to 37 of 37:

Women's Health and Genetics/Laboratory Corporation of America, LabCorp
Classification: Pathogenic for Cystic fibrosis. Last evaluated: 2017-02-23. Review status: criteria provided, single submitter. Criteria: LabCorp Variant Classification Summary - May 2015. Collection method: clinical testing. Allele origin: germline. Not counted in ClinVar's aggregate classification.
Comment: Variant summary: The CFTR c.1000C>T (p.Arg334Trp) variant located in the ABC transporter type 1, transmembrane domain (via InterPro) involves the alteration of a conserved nucleotide, which 5/5 in silico tools predict a damaging outcome. The variant of interest was found in the large, broad control population, ExAC, with an allele frequency of 8/121330 (1/15174), which does not exceed the estimated maximal expected allele frequency for a pathogenic CFTR variant of 1/77. The variant of interest has been reported by multiple affected individuals and has been established as a common disease variant, along with being indicated to be on the ACMG variant report list. In addition, multiple clinical diagnostic laboratories/reputable databases classified this variant as pathogenic. Taken together, this variant is classified as pathogenic.

Center for Pediatric Genomic Medicine, Children's Mercy Hospital and Clinics
Classification: Pathogenic. Last evaluated: 2015-02-11. Review status: criteria provided, single submitter. Criteria: ACMG Guidelines, 2015. Collection method: clinical testing. Allele origin: germline. Not counted in ClinVar's aggregate classification.

Baylor Genetics
Classification: Pathogenic for Congenital bilateral aplasia of vas deferens from CFTR mutation; Cystic fibrosis. Review status: criteria provided, single submitter. Criteria: ACMG Guidelines, 2015. Collection method: clinical testing. Allele origin: germline. Not counted in ClinVar's aggregate classification.

Kariminejad - Najmabadi Pathology & Genetics Center
Classification: Pathogenic for Cystic fibrosis. Review status: criteria provided, single submitter. Criteria: ACMG Guidelines, 2015. Collection method: clinical testing. Allele origin: germline. Affected: no. Not counted in ClinVar's aggregate classification.

OMIM
Classification: Pathogenic for CYSTIC FIBROSIS. Last evaluated: 1997-02-01. Review status: no assertion criteria provided. Collection method: literature only. Allele origin: germline. Not counted in ClinVar's aggregate classification.

Clinical Genetics DNA and cytogenetics Diagnostics Lab, Erasmus MC, Erasmus Medical Center
Classification: Pathogenic. Review status: no assertion criteria provided. Collection method: clinical testing. Allele origin: germline. Affected: yes. Study: VKGL Data-share Consensus. Not counted in ClinVar's aggregate classification.

Diagnostic Laboratory, Department of Genetics, University Medical Center Groningen
Classification: Pathogenic. Review status: no assertion criteria provided. Collection method: clinical testing. Allele origin: germline. Affected: yes. Study: VKGL Data-share Consensus. Not counted in ClinVar's aggregate classification.

GeneReviews
No classification provided. Condition: Cystic fibrosis. Review status: no classification provided. Collection method: literature only. Allele origin: unknown. Not counted in ClinVar's aggregate classification.

Joint Genome Diagnostic Labs from Nijmegen and Maastricht, Radboudumc and MUMC+
Classification: Likely pathogenic. Review status: no assertion criteria provided. Collection method: clinical testing. Allele origin: germline. Affected: yes. Study: VKGL Data-share Consensus. Not counted in ClinVar's aggregate classification.

Literature cited by the submitters: PMC 3110945 (cited by American College of Medical Genetics and Genomics  (ACMG)); PubMed 15371902 (cited by 3 submitters); PubMed 23974870 (cited by 5 submitters); PubMed 7868128 (cited by 4 submitters); PubMed 2045102 (cited by 4 submitters); PubMed 9039981 (cited by 4 submitters); PubMed 9272157 (cited by 3billion); PubMed 7680769 (cited by Ambry Genetics and Quest Diagnostics Nichols Institute San Juan Capistrano); PubMed 20923678 (cited by Quest Diagnostics Nichols Institute San Juan Capistrano); PubMed 22975760 (cited by Quest Diagnostics Nichols Institute San Juan Capistrano); PubMed 29261177 (cited by Quest Diagnostics Nichols Institute San Juan Capistrano); PubMed 31589614 (cited by Quest Diagnostics Nichols Institute San Juan Capistrano); PubMed 32429104 (cited by Quest Diagnostics Nichols Institute San Juan Capistrano); PubMed 32674983 (cited by Quest Diagnostics Nichols Institute San Juan Capistrano); PubMed 32761997 (cited by Quest Diagnostics Nichols Institute San Juan Capistrano); PubMed 32777524 (cited by Quest Diagnostics Nichols Institute San Juan Capistrano); PubMed 34276759 (cited by Quest Diagnostics Nichols Institute San Juan Capistrano); PubMed 7686820 (cited by Quest Diagnostics Nichols Institute San Juan Capistrano); PubMed 8844211 (cited by Quest Diagnostics Nichols Institute San Juan Capistrano); PubMed 16443646 (cited by Quest Diagnostics Nichols Institute San Juan Capistrano); PubMed 22658665 (cited by Quest Diagnostics Nichols Institute San Juan Capistrano); PubMed 24440181 (cited by Quest Diagnostics Nichols Institute San Juan Capistrano); PubMed 18456578 (cited by Quest Diagnostics Nichols Institute San Juan Capistrano); PubMed 21228398 (cited by Quest Diagnostics Nichols Institute San Juan Capistrano); PubMed 23891399 (cited by Quest Diagnostics Nichols Institute San Juan Capistrano); PubMed 20301428 (cited by GeneReviews).